The following is an entry in ClinVar:

NM_001081550.2(THOC2):c.1386+2T>C

Gene: THOC2 (THO complex subunit 2; minus strand). Cytogenetic location: Xq25.
Variant type: single nucleotide variant.
Coding change: c.1386+2T>C on transcript NM_001081550.2 (MANE Select); the canonical splice donor site of the intron after coding-DNA position 1386, T replaced by C.
Molecular consequence: splice donor variant.
Genome position (GRCh38, 1-based): chrX:123,665,640, A>G on the plus strand (T>C on the coding strand, the complement: THOC2 is on the minus strand). VCF-style: chrX-123665640-A-G. GRCh37 (hg19) VCF-style: chrX-122799491-A-G.
Other names: c.1386+2T>C (NM_001441236.1, NM_001441235.1).
Identifiers: ClinVar variation 4882425 (VCV004882425.2).

ClinVar aggregate classification (germline): Uncertain significance (1 of 4 stars; one submission).

Submission:

Dasa
Classification: Uncertain significance. Last evaluated: 2025-06-28. Review status: criteria provided, single submitter. Criteria: DASA Assertion Criteria. Collection method: clinical testing. Allele origin: germline.
Comment: NM_001081550.2(THOC2):c.1386+2T>C affects a canonical splice site and is predicted to disrupt normal RNA splicing. This variant is rare in population databases. The currently available literature and clinical evidence are not sufficient to establish a definitive association between this variant and the reported condition. Therefore, this variant is classified as a variant of uncertain significance.